The following is an entry in ClinVar:

NM_194248.3(OTOF):c.3091A>G (p.Ile1031Val)

Gene: OTOF (otoferlin; minus strand). Cytogenetic location: 2p23.3.
Variant type: single nucleotide variant.
Coding change: c.3091A>G on transcript NM_194248.3 (MANE Select); coding-DNA position 3091, A replaced by G.
Protein change: p.Ile1031Val; replaces isoleucine 1031 with valine.
Molecular consequence: missense variant.
Genome position (GRCh38, 1-based): chr2:26,475,394, T>C on the plus strand (A>G on the coding strand, the complement: OTOF is on the minus strand). VCF-style: chr2-26475394-T-C. GRCh37 (hg19) VCF-style: chr2-26698262-T-C.
Other names: c.3091A>G, p.Ile1031Val (NM_001287489.2); c.850A>G, p.Ile284Val (NM_004802.4, NM_194323.3); c.1021A>G, p.Ile341Val (NM_194322.3); short protein forms I1031V, I341V, I284V.
Identifiers: ClinVar variation 504660 (VCV000504660.5), dbSNP rs113433719, ClinGen allele CA44397608.

ClinVar aggregate classification (germline): Uncertain significance (1 of 4 stars; one submission).

Allele frequency attached by ClinVar (database versions not stated): gnomAD exomes 0.00001; TOPMed 0.00001; gnomAD 0.00002 and 0.00003; ESP Exome Variant Server 0.00008.
gnomAD v4.1: 13 of 1,613,160 alleles (0.00081%); highest among the groups gnomAD compares: Admixed American, 0.0017%; no homozygotes.

Submission:

Laboratory for Molecular Medicine, Mass General Brigham Personalized Medicine
Classification: Uncertain significance. Last evaluated: 2016-06-07. Review status: criteria provided, single submitter. Criteria: LMM Criteria. Collection method: clinical testing. Allele origin: germline. Observed: 1 variant allele.
Comment: The p.Ile1031Val variant in OTOF has not been previously reported in individuals with hearing loss. This variant has been identified in 1/8600 European American chromosomes by the NHLBI Exome Sequencing Project (/EVS/; dbSNP rs113433719). Although this variant has been seen in the general po pulation, its frequency is not high enough to rule out a pathogenic role. Comput ational prediction tools and conservation analyses suggest that this variant may impact the protein, though this information is not predictive enough to determi ne pathogenicity. In summary, the clinical significance of the p.Ile1031Val vari ant is uncertain.